The following is an entry in ClinVar:

NM_014989.7(RIMS1):c.1721G>A (p.Ser574Asn)

Gene: RIMS1 (regulating synaptic membrane exocytosis 1; plus strand). Cytogenetic location: 6q13.
Variant type: single nucleotide variant.
Coding change: c.1721G>A on transcript NM_014989.7 (MANE Select); coding-DNA position 1721, G replaced by A.
Protein change: p.Ser574Asn; replaces serine 574 with asparagine.
Molecular consequence: missense variant. On other transcripts: 5 prime UTR variant (9).
Genome position (GRCh38, 1-based): chr6:72,233,815, G>A. VCF-style: chr6-72233815-G-A. GRCh37 (hg19) VCF-style: chr6-72943518-G-A.
Other names: c.143G>A, p.Ser48Asn (NM_001350457.2, NM_001350458.2, NM_001350460.2 and 37 more transcripts); c.74G>A, p.Ser25Asn (NM_001350459.2, NM_001350462.2, NM_001350421.2 and 6 more transcripts); c.-101G>A (NM_001350461.2, NM_001350463.2, NM_001350464.2 and 6 more transcripts); c.98G>A, p.Ser33Asn (NM_001168410.2, NM_001350470.2, NM_001350472.2 and 2 more transcripts); short protein forms S25N, S33N, S48N, S574N.
Identifiers: ClinVar variation 1717493 (VCV001717493.5), dbSNP rs2552056974, ClinGen allele CA364823413.

ClinVar aggregate classification (germline): Uncertain significance (1 of 4 stars; one submission).

Submission:

Labcorp Genetics (formerly Invitae), Labcorp
Classification: Uncertain significance. Last evaluated: 2022-08-21. Review status: criteria provided, single submitter. Criteria: Invitae Variant Classification Sherloc (09022015). Collection method: clinical testing. Allele origin: germline.
Comment: In summary, the available evidence is currently insufficient to determine the role of this variant in disease. Therefore, it has been classified as a Variant of Uncertain Significance. This sequence change replaces serine, which is neutral and polar, with asparagine, which is neutral and polar, at codon 574 of the RIMS1 protein (p.Ser574Asn). This variant is not present in population databases (gnomAD no frequency). This variant has not been reported in the literature in individuals affected with RIMS1-related conditions. Algorithms developed to predict the effect of missense changes on protein structure and function (SIFT, PolyPhen-2, Align-GVGD) all suggest that this variant is likely to be disruptive.